The following is an entry in ClinVar:

ClinVar aggregate classification (germline): Uncertain significance (1 of 4 stars; one submission).

Conditions:
Hypertrophic cardiomyopathy 14. Identifiers: MedGen C2750467, MONDO:0013197, OMIM 613251.

Submission:

Labcorp Genetics (formerly Invitae), Labcorp
Classification: Uncertain significance for Hypertrophic cardiomyopathy 14. Last evaluated: 2019-07-22. Review status: criteria provided, single submitter. Criteria: Invitae Variant Classification Sherloc (09022015). Collection method: clinical testing. Allele origin: germline.
Comment: This variant is not present in population databases (ExAC no frequency). This sequence change replaces glutamic acid with alanine at codon 505 of the MYH6 protein (p.Glu505Ala). The glutamic acid residue is weakly conserved and there is a moderate physicochemical difference between glutamic acid and alanine. In summary, the available evidence is currently insufficient to determine the role of this variant in disease. Therefore, it has been classified as a Variant of Uncertain Significance. Algorithms developed to predict the effect of missense changes on protein structure and function are either unavailable or do not agree on the potential impact of this missense change (SIFT: "Deleterious"; PolyPhen-2: "Benign"; Align-GVGD: "Class C0"). This variant has not been reported in the literature in individuals with MYH6-related conditions.

NM_002471.4(MYH6):c.1514A>C (p.Glu505Ala)

Gene: MYH6 (myosin heavy chain 6; minus strand). Cytogenetic location: 14q11.2.
Variant type: single nucleotide variant.
Coding change: c.1514A>C on transcript NM_002471.4 (MANE Select); coding-DNA position 1514, A replaced by C.
Protein change: p.Glu505Ala; replaces glutamic acid 505 with alanine.
Molecular consequence: missense variant.
Genome position (GRCh38, 1-based): chr14:23,400,323, T>G on the plus strand (A>C on the coding strand, the complement: MYH6 is on the minus strand). VCF-style: chr14-23400323-T-G. GRCh37 (hg19) VCF-style: chr14-23869532-T-G.
Other names: short protein forms E505A.
Identifiers: ClinVar variation 945756 (VCV000945756.9), dbSNP rs1891560310, ClinGen allele CA389022566.